The following is an entry in ClinVar:

ClinVar aggregate classification (germline): Pathogenic/Likely pathogenic. Review status: criteria provided, single submitter (1 of 4 stars). 2 submissions from 1 submitter: Pathogenic (1); Likely pathogenic (1). Last evaluated 2019-11-01.

Conditions:
Deafness-infertility syndrome. Also called: Deafness and male infertility. Identifiers: Orphanet 94064, MedGen C1970187, MONDO:0012621, OMIM 611102.
Autosomal recessive nonsyndromic hearing loss 16. Also called: DFNB16 Nonsyndromic Hearing Loss and Deafness; DEAFNESS, AUTOSOMAL RECESSIVE 16. Identifiers: Orphanet 90636, MedGen C1863561, MONDO:0011364, OMIM 603720.

Submissions (2):

Center of Genomic medicine, Geneva, University Hospital of Geneva
Classification: Pathogenic for Deafness-infertility syndrome. Last evaluated: 2019-11-01. Review status: criteria provided, single submitter. Criteria: ACMG Guidelines, 2015. Collection method: clinical testing. Allele origin: inherited. Affected: yes. Observed: 1 variant allele.

Center of Genomic medicine, Geneva, University Hospital of Geneva
Classification: Likely pathogenic for Autosomal recessive nonsyndromic hearing loss 16. Last evaluated: 2019-04-03. Review status: criteria provided, single submitter. Criteria: ACMG Guidelines, 2015. Collection method: clinical testing. Allele origin: inherited. Affected: yes. Observed: 3 variant alleles.
Comment: This heterozygous CKMT1B, STRC,CATSPER2 deletion was identified in three different patients with bilateral moderate sensineural hearing loss, in compound heterozygosity with second variant affecting the STRC protein function.

NC_000015.9:g.(43851199_43890333)_(43940820_44038794)del

Genes: PDIA3 (protein disulfide isomerase family A member 3; plus strand), CKMT1B (creatine kinase, mitochondrial 1B; plus strand), PPIP5K1 (diphosphoinositol pentakisphosphate kinase 1; minus strand), CKMT1A (creatine kinase, mitochondrial 1A; plus strand), STRC (stereocilin; minus strand) and 1 more. Cytogenetic location: 15q15.3.
Variant type: Deletion.
Identifiers: ClinVar variation 1174526 (VCV001174526.3).